The following is an entry in ClinVar:

NM_005228.5(EGFR):c.1844A>G (p.His615Arg)

Gene: EGFR (epidermal growth factor receptor; plus strand). Cytogenetic location: 7p11.2.
Variant type: single nucleotide variant.
Coding change: c.1844A>G on transcript NM_005228.5 (MANE Select); coding-DNA position 1844, A replaced by G.
Protein change: p.His615Arg; replaces histidine 615 with arginine.
Molecular consequence: missense variant.
Genome position (GRCh38, 1-based): chr7:55,165,401, A>G. VCF-style: chr7-55165401-A-G. GRCh37 (hg19) VCF-style: chr7-55233094-A-G.
Other names: c.1709A>G, p.His570Arg (NM_001346897.2, NM_001346899.2); c.1844A>G, p.His615Arg (NM_001346898.2, NM_201282.2, NM_201284.2); c.1685A>G, p.His562Arg (NM_001346900.2); c.1043A>G, p.His348Arg (NM_001346941.2); short protein forms H562R, H570R, H615R, H348R.
Identifiers: ClinVar variation 1968738 (VCV001968738.6), dbSNP rs1785923084, ClinGen allele CA367581055.
Genomic context (GRCh38, chr7:55,165,401, plus strand): 5'-GCCCGGCAGGAGTCATGGGAGAAAACAACACCCTGGTCTGGAAGTACGCAGACGCCGGCC[A>G]TGTGTGCCACCTGTGCCATCCAAACTGCACCTACGGGTGAGTGGAAAGTGAAGGAGAACA-3'
Protein context (NP_005219.2, residues 605-625): TLVWKYADAG[His615Arg]VCHLCHPNCT

ClinVar aggregate classification (germline): Conflicting classifications of pathogenicity. Review status: criteria provided, conflicting classifications (1 of 4 stars). 2 submissions from 2 submitters: Uncertain significance (1); Likely benign (1). Last evaluated 2025-01-03.

Conditions:
Hereditary cancer-predisposing syndrome. Also called: Tumor predisposition; Hereditary Cancer Syndrome; Hereditary neoplastic syndrome; Neoplastic Syndromes, Hereditary. Identifiers: Orphanet 140162, MedGen C0027672, MeSH D009386, MONDO:0015356.
EGFR-related lung cancer (EGFR). Identifiers: MedGen CN130014.

Allele frequency attached by ClinVar (database versions not stated): gnomAD 0.00001.
gnomAD v4.1: 1 of 1,614,028 alleles (0.000062%); highest among the groups gnomAD compares: African/African-American, 0.0013%; no homozygotes.

Submissions (2):

Ambry Genetics
Classification: Likely benign for Hereditary cancer-predisposing syndrome. Last evaluated: 2025-01-03. Review status: criteria provided, single submitter. Criteria: Ambry Variant Classification Scheme 2023. Collection method: clinical testing. Allele origin: germline.

Labcorp Genetics (formerly Invitae), Labcorp
Classification: Uncertain significance for EGFR-related lung cancer. Last evaluated: 2022-04-09. Review status: criteria provided, single submitter. Criteria: Invitae Variant Classification Sherloc (09022015). Collection method: clinical testing. Allele origin: germline.
Comment: This variant is not present in population databases (gnomAD no frequency). This variant has not been reported in the literature in individuals affected with EGFR-related conditions. This sequence change replaces histidine, which is basic and polar, with arginine, which is basic and polar, at codon 615 of the EGFR protein (p.His615Arg). In summary, the available evidence is currently insufficient to determine the role of this variant in disease. Therefore, it has been classified as a Variant of Uncertain Significance. Algorithms developed to predict the effect of missense changes on protein structure and function output the following: SIFT: "Tolerated"; PolyPhen-2: "Benign"; Align-GVGD: "Class C0". The arginine amino acid residue is found in multiple mammalian species, which suggests that this missense change does not adversely affect protein function.